The following is an entry in ClinVar:

ClinVar aggregate classification (germline): Uncertain significance (1 of 4 stars; one submission).

gnomAD v4.1: 1 of 1,613,778 alleles (0.000062%); highest among the groups gnomAD compares: Admixed American, 0.0017%; no homozygotes.

Submission:

Labcorp Genetics (formerly Invitae), Labcorp
Classification: Uncertain significance. Last evaluated: 2024-07-12. Review status: criteria provided, single submitter. Criteria: Invitae Variant Classification Sherloc (09022015). Collection method: clinical testing. Allele origin: germline.
Comment: This sequence change replaces glutamine, which is neutral and polar, with arginine, which is basic and polar, at codon 1261 of the IGSF10 protein (p.Gln1261Arg). This variant is not present in population databases (gnomAD no frequency). This variant has not been reported in the literature in individuals affected with IGSF10-related conditions. An algorithm developed to predict the effect of missense changes on protein structure and function (PolyPhen-2) suggests that this variant is likely to be tolerated. In summary, the available evidence is currently insufficient to determine the role of this variant in disease. Therefore, it has been classified as a Variant of Uncertain Significance.

NM_178822.5(IGSF10):c.3782A>G (p.Gln1261Arg)

Gene: IGSF10 (immunoglobulin superfamily member 10; minus strand). Cytogenetic location: 3q25.1.
Variant type: single nucleotide variant.
Coding change: c.3782A>G on transcript NM_178822.5 (MANE Select); coding-DNA position 3782, A replaced by G.
Protein change: p.Gln1261Arg; replaces glutamine 1261 with arginine.
Molecular consequence: missense variant.
Genome position (GRCh38, 1-based): chr3:151,446,199, T>C on the plus strand (A>G on the coding strand, the complement: IGSF10 is on the minus strand). VCF-style: chr3-151446199-T-C. GRCh37 (hg19) VCF-style: chr3-151163987-T-C.
Other names: c.3782A>G, p.Gln1261Arg (NM_001385060.1, NM_001385061.1, NM_001385062.1 and 1 more transcripts); short protein forms Q1261R.
Identifiers: ClinVar variation 3611731 (VCV003611731.2).
Genomic context (GRCh38, chr3:151,446,199, plus strand): 5'-CCAGGATTGTGTGTTTTGGTCGTAGTGTGGTGAGCGGTAGTCAAGGTATTAGATGGAATT[T>C]GCATCACACTTGTTGAAAGTGTGGTGAAATGGAAAGGGGAGACTTTGTCTCTGGGTAAAG-3'
Protein context (NP_849144.2, residues 1251-1271): HFTTLSTSVM[Gln1261Arg]IPSNTLTTAH